The following is an entry in ClinVar:

ClinVar aggregate classification (germline): Uncertain significance. Review status: criteria provided, multiple submitters, no conflicts (2 of 4 stars). 2 submissions from 2 submitters: Uncertain significance (2). Last evaluated 2024-02-27.

Conditions:
Cardiovascular phenotype. Identifiers: MedGen CN230736.
Long QT syndrome (LQTS). Identifiers: MedGen C0023976, MeSH D008133, MONDO:0002442. Disease mechanism: loss of function. Inheritance: Various modes of inheritance.

Submissions (2):

Ambry Genetics
Classification: Uncertain significance for Cardiovascular phenotype. Last evaluated: 2024-02-27. Review status: criteria provided, single submitter. Criteria: Ambry Variant Classification Scheme 2023. Collection method: clinical testing. Allele origin: germline.

Labcorp Genetics (formerly Invitae), Labcorp
Classification: Uncertain significance for Long QT syndrome. Last evaluated: 2022-08-23. Review status: criteria provided, single submitter. Criteria: Invitae Variant Classification Sherloc (09022015). Collection method: clinical testing. Allele origin: germline.
Comment: In summary, the available evidence is currently insufficient to determine the role of this variant in disease. Therefore, it has been classified as a Variant of Uncertain Significance. Algorithms developed to predict the effect of missense changes on protein structure and function are either unavailable or do not agree on the potential impact of this missense change (SIFT: "Deleterious"; PolyPhen-2: "Possibly Damaging"; Align-GVGD: "Class C0"). This variant has not been reported in the literature in individuals affected with AKAP9-related conditions. This variant is not present in population databases (gnomAD no frequency). This sequence change replaces alanine, which is neutral and non-polar, with aspartic acid, which is acidic and polar, at codon 1831 of the AKAP9 protein (p.Ala1831Asp).

NM_005751.5(AKAP9):c.5492C>A (p.Ala1831Asp)

Gene: AKAP9 (A-kinase anchoring protein 9; plus strand). Cytogenetic location: 7q21.2.
Variant type: single nucleotide variant.
Coding change: c.5492C>A on transcript NM_005751.5 (MANE Select); coding-DNA position 5492, C replaced by A.
Protein change: p.Ala1831Asp; replaces alanine 1831 with aspartic acid.
Molecular consequence: missense variant.
Genome position (GRCh38, 1-based): chr7:92,052,849, C>A. VCF-style: chr7-92052849-C-A. GRCh37 (hg19) VCF-style: chr7-91682163-C-A.
Other names: c.5492C>A, p.Ala1831Asp (NM_147185.3); short protein forms A1831D.
Identifiers: ClinVar variation 2163026 (VCV002163026.5), dbSNP rs1584334350, ClinGen allele CA368131185.